The following is an entry in ClinVar:

NM_014336.5(AIPL1):c.884C>T (p.Pro295Leu)

Gene: AIPL1 (AIP like 1 HSP90 co-chaperone; minus strand). Cytogenetic location: 17p13.2.
Variant type: single nucleotide variant.
Coding change: c.884C>T on transcript NM_014336.5 (MANE Select); coding-DNA position 884, C replaced by T.
Protein change: p.Pro295Leu; replaces proline 295 with leucine.
Molecular consequence: missense variant. On other transcripts: 3 prime UTR variant (1).
Genome position (GRCh38, 1-based): chr17:6,425,731, G>A on the plus strand (C>T on the coding strand, the complement: AIPL1 is on the minus strand). VCF-style: chr17-6425731-G-A. GRCh37 (hg19) VCF-style: chr17-6329051-G-A.
Other names: c.695C>T, p.Pro232Leu (NM_001033054.3); c.704C>T, p.Pro235Leu (NM_001033055.3); c.848C>T, p.Pro283Leu (NM_001285399.3); c.818C>T, p.Pro273Leu (NM_001285400.3); c.812C>T, p.Pro271Leu (NM_001285401.3); c.767C>T, p.Pro256Leu (NM_001285402.2); c.*855C>T (NM_001285403.4); short protein forms P235L, P273L, P283L, P271L, P295L, P232L, P256L.
Identifiers: ClinVar variation 2987660 (VCV002987660.3), dbSNP rs1911872542, ClinGen allele CA397394722.
Genomic context (GRCh38, chr17:6,425,731, plus strand): 5'-TTCTCCGCCATGCGGTTCTCCAGCAGCCTCAGCTCCCTGCGCACCGCCTTCTGCATGGAC[G>A]GCTCCAGCTCCAGCACTTTCTGGAGGTCCGCCTTGGCCTCGGCCTCATTCCACACCTCTG-3'
Protein context (NP_055151.3, residues 285-305): ADLQKVLELE[Pro295Leu]SMQKAVRREL

ClinVar aggregate classification (germline): Uncertain significance (1 of 4 stars; one submission).

Conditions:
Leber congenital amaurosis 4 (LCA4). Identifiers: MedGen C1858386, MONDO:0011458, OMIM 604393.

gnomAD v4.1: 1 of 1,607,624 alleles (0.000062%); highest among the groups gnomAD compares: Non-Finnish European, 0.000085%; no homozygotes.

Submission:

Labcorp Genetics (formerly Invitae), Labcorp
Classification: Uncertain significance for Leber congenital amaurosis 4. Last evaluated: 2023-08-14. Review status: criteria provided, single submitter. Criteria: Invitae Variant Classification Sherloc (09022015). Collection method: clinical testing. Allele origin: germline.
Comment: In summary, the available evidence is currently insufficient to determine the role of this variant in disease. Therefore, it has been classified as a Variant of Uncertain Significance. Advanced modeling of protein sequence and biophysical properties (such as structural, functional, and spatial information, amino acid conservation, physicochemical variation, residue mobility, and thermodynamic stability) performed at Invitae indicates that this missense variant is not expected to disrupt AIPL1 protein function. This variant has not been reported in the literature in individuals affected with AIPL1-related conditions. This variant is not present in population databases (gnomAD no frequency). This sequence change replaces proline, which is neutral and non-polar, with leucine, which is neutral and non-polar, at codon 295 of the AIPL1 protein (p.Pro295Leu).